The following is an entry in ClinVar:

NM_030665.4(RAI1):c.5564T>A (p.Met1855Lys)

Gene: RAI1 (retinoic acid induced 1; plus strand). Cytogenetic location: 17p11.2.
Variant type: single nucleotide variant.
Coding change: c.5564T>A on transcript NM_030665.4 (MANE Select); coding-DNA position 5564, T replaced by A.
Protein change: p.Met1855Lys; replaces methionine 1855 with lysine.
Molecular consequence: missense variant.
Genome position (GRCh38, 1-based): chr17:17,798,512, T>A. VCF-style: chr17-17798512-T-A. GRCh37 (hg19) VCF-style: chr17-17701826-T-A.
Other names: short protein forms M1855K.
Identifiers: ClinVar variation 2125925 (VCV002125925.4), dbSNP rs1314528323, ClinGen allele CA398559444.
Genomic context (GRCh38, chr17:17,798,512, plus strand): 5'-TCTACCTGGTGGCCGGGAAGCTCTTTGGGCTGCAGGAGGCCATGAAGGTGGCCGTGGACA[T>A]GGTAAGAGGCCAGCCCAGCCAGGGTGGGGAGTGTGGGGTTCCAAAGGACAGGCAGGCAGG-3'
Protein context (NP_109590.3, residues 1845-1865): LQEAMKVAVD[Met1855Lys]MCSSCQEAGA

ClinVar aggregate classification (germline): Uncertain significance (1 of 4 stars; one submission).

Allele frequency attached by ClinVar (database versions not stated): TOPMed below 0.00001.

Submission:

Labcorp Genetics (formerly Invitae), Labcorp
Classification: Uncertain significance. Last evaluated: 2022-04-13. Review status: criteria provided, single submitter. Criteria: Invitae Variant Classification Sherloc (09022015). Collection method: clinical testing. Allele origin: germline.
Comment: In summary, the available evidence is currently insufficient to determine the role of this variant in disease. Therefore, it has been classified as a Variant of Uncertain Significance. Algorithms developed to predict the effect of missense changes on protein structure and function (SIFT, PolyPhen-2, Align-GVGD) all suggest that this variant is likely to be tolerated. This variant has not been reported in the literature in individuals affected with RAI1-related conditions. This variant is not present in population databases (gnomAD no frequency). This sequence change replaces methionine, which is neutral and non-polar, with lysine, which is basic and polar, at codon 1855 of the RAI1 protein (p.Met1855Lys).